The following is an entry in ClinVar:

NM_001042492.3(NF1):c.7327C>G (p.Leu2443Val)

Gene: NF1 (neurofibromin 1; plus strand). Cytogenetic location: 17q11.2.
Variant type: single nucleotide variant.
Coding change: c.7327C>G on transcript NM_001042492.3 (MANE Select); coding-DNA position 7327, C replaced by G.
Protein change: p.Leu2443Val; replaces leucine 2443 with valine.
Molecular consequence: missense variant.
Genome position (GRCh38, 1-based): chr17:31,350,188, C>G. VCF-style: chr17-31350188-C-G. GRCh37 (hg19) VCF-style: chr17-29677206-C-G.
Other names: c.7264C>G, p.Leu2422Val (NM_000267.4); short protein forms L2422V, L2443V.
Identifiers: ClinVar variation 2723187 (VCV002723187.4), dbSNP rs2151574244, ClinGen allele CA399016954.

ClinVar aggregate classification (germline): Uncertain significance. Review status: criteria provided, multiple submitters, no conflicts (2 of 4 stars). 2 submissions from 2 submitters: Uncertain significance (2). Last evaluated 2024-07-13.

Conditions:
Hereditary cancer-predisposing syndrome. Also called: Hereditary neoplastic syndrome; Neoplastic Syndromes, Hereditary; Hereditary Cancer Syndrome; Tumor predisposition. Identifiers: Orphanet 140162, MedGen C0027672, MeSH D009386, MONDO:0015356.
Cardiovascular phenotype. Identifiers: MedGen CN230736.
Neurofibromatosis, type 1 (NF1). Also called: Neurofibromatosis, type I; NEUROFIBROMATOSIS, TYPE I, SOMATIC; Peripheral type neurofibromatosis; VON RECKLINGHAUSEN DISEASE. Identifiers: Orphanet 636, MedGen C0027831, MONDO:0018975, OMIM 162200. Disease mechanism: loss of function.

Submissions (2):

Ambry Genetics
Classification: Uncertain significance for Cardiovascular phenotype; Hereditary cancer-predisposing syndrome. Last evaluated: 2024-07-13. Review status: criteria provided, single submitter. Criteria: Ambry Variant Classification Scheme 2023. Collection method: clinical testing. Allele origin: germline.
Comment: The p.L2422V variant (also known as c.7264C>G), located in coding exon 49 of the NF1 gene, results from a C to G substitution at nucleotide position 7264. The leucine at codon 2422 is replaced by valine, an amino acid with highly similar properties. This amino acid position is conserved. In addition, this alteration is predicted to be tolerated by in silico analysis. Based on the available evidence, the clinical significance of this variant remains unclear.

Labcorp Genetics (formerly Invitae), Labcorp
Classification: Uncertain significance for Neurofibromatosis, type 1. Last evaluated: 2023-10-23. Review status: criteria provided, single submitter. Criteria: Invitae Variant Classification Sherloc (09022015). Collection method: clinical testing. Allele origin: germline.
Comment: This sequence change replaces leucine, which is neutral and non-polar, with valine, which is neutral and non-polar, at codon 2422 of the NF1 protein (p.Leu2422Val). This variant is not present in population databases (gnomAD no frequency). This variant has not been reported in the literature in individuals affected with NF1-related conditions. Advanced modeling of protein sequence and biophysical properties (such as structural, functional, and spatial information, amino acid conservation, physicochemical variation, residue mobility, and thermodynamic stability) performed at Invitae indicates that this missense variant is not expected to disrupt NF1 protein function. In summary, the available evidence is currently insufficient to determine the role of this variant in disease. Therefore, it has been classified as a Variant of Uncertain Significance.